The following is an entry in ClinVar:

NM_014112.5(TRPS1):c.422C>T (p.Pro141Leu)

Gene: TRPS1 (transcriptional repressor GATA binding 1; minus strand). Cytogenetic location: 8q23.3.
Variant type: single nucleotide variant.
Coding change: c.422C>T on transcript NM_014112.5 (MANE Select); coding-DNA position 422, C replaced by T.
Protein change: p.Pro141Leu; replaces proline 141 with leucine.
Molecular consequence: missense variant.
Genome position (GRCh38, 1-based): chr8:115,619,676, G>A on the plus strand (C>T on the coding strand, the complement: TRPS1 is on the minus strand). VCF-style: chr8-115619676-G-A. GRCh37 (hg19) VCF-style: chr8-116631903-G-A.
Other names: c.395C>T, p.Pro132Leu (NM_001282902.3); c.383C>T, p.Pro128Leu (NM_001330599.2); c.401C>T, p.Pro134Leu (NM_001282903.3); short protein forms P141L, P128L, P132L, P134L.
Identifiers: ClinVar variation 1708292 (VCV001708292.5), dbSNP rs201699015, ClinGen allele CA4852008.

ClinVar aggregate classification (germline): Conflicting classifications of pathogenicity. Review status: criteria provided, conflicting classifications (1 of 4 stars). 2 submissions from 2 submitters: Uncertain significance (1); Likely benign (1). Last evaluated 2026-01-18.

Conditions:
Trichorhinophalangeal syndrome, type III (TRPS3). Also called: SUGIO-KAJII SYNDROME. Identifiers: Orphanet 77258, MedGen C1860823, OMIM 190351, MONDO:0008597.
Trichorhinophalangeal dysplasia type I (TRPS1). Also called: TRICHORHINOPHALANGEAL SYNDROME, TYPE I; TRPS I. Identifiers: Orphanet 77258, MedGen C0432233, MONDO:0008596, OMIM 190350.

Allele frequency attached by ClinVar (database versions not stated): TOPMed 0.00006; ExAC 0.00007; gnomAD exomes 0.00008; gnomAD 0.00013; ESP Exome Variant Server 0.00025.
gnomAD v4.1: 135 of 1,614,006 alleles (0.0084%); highest among the groups gnomAD compares: Admixed American, 0.037%; no homozygotes.

Submissions (2):

Labcorp Genetics (formerly Invitae), Labcorp
Classification: Likely benign for Trichorhinophalangeal syndrome, type III; Trichorhinophalangeal dysplasia type I. Last evaluated: 2026-01-18. Review status: criteria provided, single submitter. Criteria: Invitae Variant Classification Sherloc (09022015). Collection method: clinical testing. Allele origin: germline.

Centre of Medical Genetics, University Hospital Muenster
Classification: Uncertain significance. Last evaluated: 2021-12-08. Review status: criteria provided, single submitter. Criteria: ACMG Guidelines, 2015. Collection method: clinical testing. Allele origin: unknown. Affected: yes. Observed: 1 variant allele, 1 heterozygote.
Comment: ACMG categories: PM1,PM2,PP3